The following is an entry in ClinVar:

NM_006766.5(KAT6A):c.4228_4232del (p.Lys1410fs)

Gene: KAT6A (lysine acetyltransferase 6A; minus strand). Cytogenetic location: 8p11.21.
Variant type: Deletion.
Coding change: c.4228_4232del on transcript NM_006766.5 (MANE Select); coding-DNA positions 4228 to 4232, 5 bases deleted (AAAGA; older notation c.4228_4232delAAAGA).
Protein change: p.Lys1410fs; shifts the reading frame from lysine 1410.
Molecular consequence: frameshift variant.
Genome position (GRCh38, 1-based): chr8:41,933,988-41,933,992, TCTTT deleted on the plus strand (AAAGA on the coding strand, the reverse complement: KAT6A is on the minus strand); deleting any 5 consecutive bases within chr8:41,933,988-41,933,993 gives the same sequence; the c. name uses the placement nearest the transcript's 3' end. VCF-style (leftmost placement, unchanged base first): chr8-41933987-CTCTTT-C. GRCh37 (hg19) VCF-style: chr8-41791505-CTCTTT-C.
Other names: c.4228_4232delAAAGA (NM_006766.3); short protein forms K1410fs.
Identifiers: ClinVar variation 524135 (VCV000524135.13), dbSNP rs1554679889, ClinGen allele CA658797088.

ClinVar aggregate classification (germline): Pathogenic. Review status: criteria provided, multiple submitters, no conflicts (2 of 4 stars). 6 submissions from 6 submitters: Pathogenic (6). Last evaluated 2022-12-21.

Conditions:
KAT6A-related disorder. Also called: KAT6A-related condition.
Inborn genetic diseases. Identifiers: MedGen C0950123, MeSH D030342.
Autosomal dominant intellectual disability-craniofacial anomalies-cardiac defects syndrome (ARTHS). Also called: KAT6A syndrome; Arboleda-Tham syndrome; Mental retardation, autosomal dominant 32. Identifiers: Orphanet 457193, MedGen C4225396, MONDO:0014558, OMIM 616268.

Submissions (6):

Center for Personalized Medicine, Children's Hospital Los Angeles
Classification: Pathogenic. Last evaluated: 2022-12-21. Review status: criteria provided, single submitter. Criteria: ACMG Guidelines, 2015. Collection method: clinical testing. Allele origin: de novo. Affected: yes.

GeneDx
Classification: Pathogenic. Last evaluated: 2022-11-10. Review status: criteria provided, single submitter. Criteria: GeneDx Variant Classification Process June 2021. Collection method: clinical testing. Allele origin: germline. Affected: yes.
Comment: Identified in a patient with intellectual disability and speech delay in the published literature (Kennedy et al., 2019); Frameshift variant predicted to result in protein truncation, as the last 595 amino acids are replaced with 6 different amino acids; Not observed at significant frequency in large population cohorts (gnomAD); This variant is associated with the following publications: (PMID: 30245513)

Institute of Human Genetics Munich, TUM University Hospital
Classification: Pathogenic for Autosomal dominant intellectual disability-craniofacial anomalies-cardiac defects syndrome. Last evaluated: 2021-11-05. Review status: criteria provided, single submitter. Criteria: Classification criteria August 2017. Collection method: clinical testing. Allele origin: de novo. Inheritance: Autosomal dominant inheritance. Affected: yes. Observed: 1 variant allele.

Blueprint Genetics
Classification: Pathogenic for KAT6A-related disorders. Last evaluated: 2021-05-06. Review status: criteria provided, single submitter. Criteria: ACMG Guidelines, 2015. Collection method: clinical testing. Allele origin: germline. Affected: yes. Observed: 1 variant allele.

Genomic Medicine Lab, University of California San Francisco
Classification: Pathogenic for Autosomal dominant intellectual disability-craniofacial anomalies-cardiac defects syndrome. Last evaluated: 2018-12-13. Review status: criteria provided, single submitter. Criteria: ACMG Guidelines, 2015. Collection method: clinical testing. Allele origin: unknown. Inheritance: Autosomal dominant inheritance. Affected: yes. Study: CSER.

Ambry Genetics
Classification: Pathogenic for Inborn genetic diseases. Last evaluated: 2016-07-27. Review status: criteria provided, single submitter. Criteria: Ambry Variant Classification Scheme 2023. Collection method: clinical testing. Allele origin: germline.
Comment: The c.4228_4232delAAAGA pathogenic mutation (also known as p.K1410GFS*7), located in coding exon 16 of the KAT6A gene, results from a deletion of 5 nucleotides at nucleotide positions 4228 to 4232, causing a translational frameshift with a predicted alternate stop codon. This mutation is located downstream of the nonsense-mediated mRNA decay (NMD) boundary. Typically, mRNA transcripts from alterations located downstream of NMD boundaries will not be degraded, resulting in translation of a truncated protein. A de novo protein truncating variant (c.4292dupT), located downstream of the c.4228_4232delAAAGA pathogenic mutation, has been reported in an individual presenting with global developmental delay, significant hypotonia, cardiac defects and dysmorphic features (Tham E et al. Am J Hum Genet. 2015; 96(3):507-13). Therefore, both alterations likely escape NMD and are expected to result in loss of function by premature protein truncation. As such, the c.4228_4232delAAAGA alteration is interpreted as a disease-causing mutation